The following is an entry in ClinVar:

NM_003482.4(KMT2D):c.1928C>G (p.Pro643Arg)

Gene: KMT2D (lysine methyltransferase 2D; minus strand). Cytogenetic location: 12q13.12.
Variant type: single nucleotide variant.
Coding change: c.1928C>G on transcript NM_003482.4 (MANE Select); coding-DNA position 1928, C replaced by G.
Protein change: p.Pro643Arg; replaces proline 643 with arginine.
Molecular consequence: missense variant.
Genome position (GRCh38, 1-based): chr12:49,051,755, G>C on the plus strand (C>G on the coding strand, the complement: KMT2D is on the minus strand). VCF-style: chr12-49051755-G-C. GRCh37 (hg19) VCF-style: chr12-49445538-G-C.
Other names: short protein forms P643R.
Identifiers: ClinVar variation 2901390 (VCV002901390.3), dbSNP rs2120675778, ClinGen allele CA384669711.
Genomic context (GRCh38, chr12:49,051,755, plus strand): 5'-GACAGGCGTGACACCACAGGCAGGGGGGATAGGCGCGATACCTCAGGTGGGGGGGACATA[G>C]GTGATTCTTCAGGTGGTGGGGACATAGGCGAGTCCTCAGGTGGTGGGGACAGGCGTGATG-3'
Protein context (NP_003473.3, residues 633-653): SPMSPPPEES[Pro643Arg]MSPPPEVSRL

ClinVar aggregate classification (germline): Uncertain significance (1 of 4 stars; one submission).

Conditions:
Kabuki syndrome. Also called: NIIKAWA-KUROKI SYNDROME; Kabuki make-up syndrome. Identifiers: Orphanet 2322, MedGen C0796004, MONDO:0016512.

Submission:

Labcorp Genetics (formerly Invitae), Labcorp
Classification: Uncertain significance for Kabuki syndrome. Last evaluated: 2023-09-19. Review status: criteria provided, single submitter. Criteria: Invitae Variant Classification Sherloc (09022015). Collection method: clinical testing. Allele origin: germline.
Comment: In summary, the available evidence is currently insufficient to determine the role of this variant in disease. Therefore, it has been classified as a Variant of Uncertain Significance. Advanced modeling of protein sequence and biophysical properties (such as structural, functional, and spatial information, amino acid conservation, physicochemical variation, residue mobility, and thermodynamic stability) performed at Invitae indicates that this missense variant is not expected to disrupt KMT2D protein function. This variant has not been reported in the literature in individuals affected with KMT2D-related conditions. This variant is not present in population databases (gnomAD no frequency). This sequence change replaces proline, which is neutral and non-polar, with arginine, which is basic and polar, at codon 643 of the KMT2D protein (p.Pro643Arg).